The following continues an entry in ClinVar:

NM_000441.2(SLC26A4):c.2168A>G (p.His723Arg)

ClinVar aggregate classification (germline): Pathogenic/Likely pathogenic. Pathogenic (20); Likely pathogenic (2).

Submissions 12 to 23 of 29:

Victorian Clinical Genetics Services, Murdoch Childrens Research Institute
Classification: Pathogenic for Pendred syndrome. Last evaluated: 2021-05-06. Review status: criteria provided, single submitter. Criteria: ACMG Guidelines, 2015. Collection method: clinical testing. Allele origin: germline. Inheritance: Autosomal recessive inheritance. Affected: yes.
Comment: Based on the classification scheme VCGS_Germline_v1.3.4, this variant is classified as Pathogenic. Following criteria are met: 0102 - Loss of function is a known mechanism of disease in this gene and is associated with Pendred syndrome (MIM#274600). (I) 0106 - This gene is associated with autosomal recessive disease. (I) 0115 - Variants in this gene are known to have variable expressivity (PMID: 20301640). (I) 0200 - Variant is predicted to result in a missense amino acid change from histidine to arginine. (I) 0251 - This variant is heterozygous. (I) 0304 - Variant is present in gnomAD <0.01 for a recessive condition (v2: 32 heterozygotes, 0 homozygotes). (SP) 0309 - An alternative amino acid change at the same position has been observed in gnomAD (v2) (1 heterozygote, 0 homozygotes). (I) 0501 - Missense variant consistently predicted to be damaging by multiple in silico tools or highly conserved with a major amino acid change. (SP) 0600 - Variant is located in the annotated STAS domain (DECIPHER, Uniprot). (I) 0801 - This variant has very strong previous evidence of pathogenicity in unrelated individuals. It is prevalent in individuals with Asian descent with Pendred syndrome or deafness 4 with enlarged vestibular aqueduct (ClinVar, PMID: 20301640). (SP) 1102 - Strong phenotype match for this individual. (SP) 1208 - Inheritance information for this variant is not currently available in this individual. (I) Legend: (SP) - Supporting pathogenic, (I) - Information, (SB) - Supporting benign

Molecular Diagnostics Lab, Nemours Children's Health, Delaware
Classification: Pathogenic for Pendred syndrome. Last evaluated: 2020-05-07. Review status: criteria provided, single submitter. Criteria: ACMG Guidelines, 2015. Collection method: clinical testing. Allele origin: maternal, unknown. Inheritance: Autosomal recessive inheritance. Affected: yes and no. Observed: 3 variant alleles.

Myriad Genetics, Inc.
Classification: Pathogenic for Pendred syndrome. Last evaluated: 2019-12-04. Review status: criteria provided, single submitter. Criteria: Myriad Women's Health Autosomal Recessive and X-Linked Classification Criteria (2019). Collection method: clinical testing. Allele origin: unknown.
Comment: NM_000441.1(SLC26A4):c.2168A>G(H723R) is classified as pathogenic in the context of Pendred syndrome. Sources cited for classification include the following: PMID 18310264, 24007330, 20826203 and 17718863. Classification of NM_000441.1(SLC26A4):c.2168A>G(H723R) is based on the following criteria: This is a well-established pathogenic variant in the literature that has been observed more frequently in patients with clinical diagnoses than in healthy populations. Please note: this variant was assessed in the context of healthy population screening.

Laboratory for Molecular Medicine, Mass General Brigham Personalized Medicine
Classification: Pathogenic for Rare genetic deafness. Last evaluated: 2019-08-27. Review status: criteria provided, single submitter. Criteria: ACMG Guidelines, 2015. Collection method: clinical testing. Allele origin: germline. Inheritance: Autosomal recessive inheritance.
Comment: The p.His723Arg variant in SLC26A4 has been reported in 37 probands with Pendred syndrome (Wu 2005, Van Hauwe 1998, Lee 2008, Asakura 2010, Cho 2006, Dai 2008, Hu 2007, Ishihara 2010, Kim 2009, Park 2003, Reyes 2009, Tsukamoto 2003, Usami 1999, Yoon 2008). Many of these probands were homozygous or compound heterozygous, and the variant has segregated with disease in several families. Furthermore, functional studies revealed that the p.His723Arg variant disrupts the normal cellular localization and ion transport activity of the protein (Yoon 2008, Ishihara 2010). In summary, this variant meets criteria to be classified as pathogenic for autosomal recessive Pendred syndrome. ACMG/AMP Criteria applied: PM3_VeryStrong, PP1_Strong, PS3_Moderate.

National Institute of Sensory Organs, National Hospital Organization Tokyo Medical Center
Classification: Pathogenic for Autosomal recessive nonsyndromic hearing loss 4. Last evaluated: 2019-08-20. Review status: criteria provided, single submitter. Criteria: ACMG Guidelines, 2015. Collection method: clinical testing, in vitro. Allele origin: inherited, germline. Inheritance: Autosomal recessive inheritance. Affected: yes. Functional consequence: loss_of_function_variant.
Comment: in vitro experiment

ARUP Laboratories, Molecular Genetics and Genomics, ARUP Laboratories
Classification: Pathogenic. Last evaluated: 2017-09-22. Review status: criteria provided, single submitter. Criteria: ARUP Molecular Germline Variant Investigation Process. Collection method: clinical testing. Allele origin: germline.
Comment: The c.2168A>G; p.His723Arg (rs121908362) is one of commonly observed variants reported in patients with Pendred Syndrome and hearing loss across the Asian population (Van Hauwe, 1998; Ishihara, 2010; Sagong, 2013; Asakura, 2010; Li, 2016). Lee (2014) noted that patients with two copies of the p.His723Arg variant had poorer hearing and higher proportion of incomplete cochlear turns (Mondini structures) compared to compound heterozygotes with a single copy and a different SLC26A4 variant. Cell-based and biochemical experiments further demonstrated that p.His723Arg polypeptides are impaired at reaching the plasma membrane and exhibit abnormal ion exchange activity that can be rescued at low temperature (Yoon, 2008). This variant is listed in the Genome Aggregation Database (gnomAD) in the East Asian population at a frequency of 0.16 percent (identified on 31 out of 18,868 chromosomes with 0 homozygotes) and is reported to the ClinVar database as a pathogenic/likely pathogenic variant (Variation ID: 4825). The histidine at position 723 is highly conserved across 12 species (Alamut v2.9.0), and computational analyses of the effects of the p.His723Arg variant on protein structure and function indicate a deleterious effect (SIFT: damaging, MutationTaster: disease causing, PolyPhen-2: probably damaging). Altogether the p.His723Arg variant is pathogenic.

Division of Hearing and Balance Research, National Hospital Organization Tokyo Medical Center
Classification: Pathogenic for Autosomal recessive nonsyndromic hearing loss 4. Last evaluated: 2017-07-01. Review status: criteria provided, single submitter. Criteria: Submitter's publication. Collection method: clinical testing. Allele origin: germline. Affected: yes. Observed: 22 variant alleles. Clinical features observed: Hearing impairment (HP:0000365).

Illumina Laboratory Services, Illumina
Classification: Pathogenic for SLC26A4-Related Disorders. Last evaluated: 2017-04-28. Review status: criteria provided, single submitter. Criteria: ICSL Variant Classification Criteria 09 May 2019. Collection method: clinical testing. Allele origin: germline.
Comment: The SLC26A4 c.2168A>G (p.His723Arg) missense variant is a common founder variant in both the Japanese and Korean populations (Park et al. 2003). Across a selection of the available literature, it has been identified in a homozygous state in 26 patients, in a compound heterozygous state in 67 patients, and in a heterozygous state in 19 patients, including those with Pendred syndrome and autosomal recessive nonsyndromic hearing loss with enlarged vestibular aqueduct (Tsukamoto et al. 2003; Park et al. 2005; Cho et al. 2006; Kim et al. 2009; Reyes et al. 2009; Miyagawa et al. 2014; Lu et al. 2015; Tsukada et al. 2015). Family studies have demonstrated inheritance of the variant from unaffected heterozygous parents. The p.His723Arg variant was identified in a heterozygous state in three of 1024 Asian control alleles (Park et al. 2003; Yuan et al. 2012; Miyagawa et al. 2014) and is reported at a frequency of 0.00174 in the East Asian population of the Exome Aggregation Consortium. Functional studies in HEK 293 and HeLa cells showed the variant causes the protein to be retained in the endoplasmic reticulum rather than localized to the cell membrane and significantly reduces chloride bicarbonate ion exchange function, consistent with the proposed disease mechanism. The defects were rescued by incubation at low temperature, suggesting they may be due to protein misfolding (Yoon et al. 2008). Based on the collective evidence, the p.His723Arg variant is classified as pathogenic for SLC26A4-related disorders. This variant was observed by ICSL as part of a predisposition screen in an ostensibly healthy population.

Soonchunhyang University Bucheon Hospital, Soonchunhyang University Medical Center
Classification: Likely pathogenic for Pendred syndrome. Last evaluated: 2016-03-18. Review status: criteria provided, single submitter. Criteria: ACMG Guidelines, 2015. Collection method: reference population. Allele origin: germline. Observed: 2 variant alleles.

Baylor Genetics
Classification: Pathogenic for Pendred syndrome. Review status: criteria provided, single submitter. Criteria: ACMG Guidelines, 2015. Collection method: clinical testing. Allele origin: germline.

Juno Genomics, Hangzhou Juno Genomics, Inc
Classification: Pathogenic for Autosomal recessive nonsyndromic hearing loss 4; Pendred syndrome. Review status: criteria provided, single submitter. Criteria: ACMG Guidelines, 2015. Collection method: clinical testing. Allele origin: germline. Affected: yes.
Comment: For recessive disorders, detected in trans with a pathogenic variant.;Patient's phenotype or family history is highly specific for a disease with a single genetic etiology.;Multiple lines of computational evidence support a deleterious effect on the gene or gene product (conservation, evolutionary, splicing impact, etc).

PreventionGenetics, part of Exact Sciences
Classification: Pathogenic for SLC26A4-related condition. Last evaluated: 2024-09-24. Review status: no assertion criteria provided. Collection method: clinical testing. Allele origin: germline. Not counted in ClinVar's aggregate classification.
Comment: The SLC26A4 c.2168A>G variant is predicted to result in the amino acid substitution p.His723Arg. This variant has been reported as homozygous or compound heterozygous in patients with hearing loss and enlarged vestibular aqueduct (EVA) or Pendred syndrome (PS) (Van Hauwe et al. 1998. PubMed ID: 9618166; Huang et al. 2011. PubMed ID: 21961810; Ladsous et al. 2014. PubMed ID: 24224479; Sakuma et al. 2016. PubMed ID: 26763877). Functional studies have shown that the p.His723Arg variant results in abnormal cellular localization and ion transport (Yoon et al. 2008. PubMed ID: 18310264; Ishihara et al. 2010. PubMed ID: 20826203; Lee et al. 2014. PubMed ID: 24007330). This variant is reported in 0.16% of alleles in individuals of East-Asian descent in gnomAD, and is reported to be a common pathogenic variant in this population (Yoon et al. 2008. PubMed ID: 18310264; Lee et al. 2014. PubMed ID: 24007330). This variant is interpreted as pathogenic.